The following is an entry in ClinVar:

ClinVar aggregate classification (germline): Uncertain significance (1 of 4 stars; one submission).

Allele frequency attached by ClinVar (database versions not stated): gnomAD 0.00001 and 0.00003; TOPMed 0.00001; gnomAD exomes 0.00003; ESP Exome Variant Server 0.00008; ExAC 0.00009; 1000 Genomes Project 30x 0.00016; 1000 Genomes Project 0.00020.
gnomAD v4.1: 25 of 1,567,538 alleles (0.0016%); highest among the groups gnomAD compares: South Asian, 0.022%; no homozygotes.

Submission:

Labcorp Genetics (formerly Invitae), Labcorp
Classification: Uncertain significance. Last evaluated: 2023-03-22. Review status: criteria provided, single submitter. Criteria: Invitae Variant Classification Sherloc (09022015). Collection method: clinical testing. Allele origin: germline.
Comment: In summary, the available evidence is currently insufficient to determine the role of this variant in disease. Therefore, it has been classified as a Variant of Uncertain Significance. Advanced modeling of protein sequence and biophysical properties (such as structural, functional, and spatial information, amino acid conservation, physicochemical variation, residue mobility, and thermodynamic stability) performed at Invitae indicates that this missense variant is not expected to disrupt NLGN2 protein function. ClinVar contains an entry for this variant (Variation ID: 1473679). This variant has not been reported in the literature in individuals affected with NLGN2-related conditions. The frequency data for this variant in the population databases is considered unreliable, as metrics indicate poor data quality at this position in the gnomAD database. This sequence change replaces arginine, which is basic and polar, with leucine, which is neutral and non-polar, at codon 55 of the NLGN2 protein (p.Arg55Leu).

NM_020795.4(NLGN2):c.164G>T (p.Arg55Leu)

Gene: NLGN2 (neuroligin 2; plus strand). Cytogenetic location: 17p13.1.
Variant type: single nucleotide variant.
Coding change: c.164G>T on transcript NM_020795.4 (MANE Select); coding-DNA position 164, G replaced by T.
Protein change: p.Arg55Leu; replaces arginine 55 with leucine.
Molecular consequence: missense variant.
Genome position (GRCh38, 1-based): chr17:7,408,419, G>T. VCF-style: chr17-7408419-G-T. GRCh37 (hg19) VCF-style: chr17-7311738-G-T.
Other names: short protein forms R55L.
Identifiers: ClinVar variation 1473679 (VCV001473679.8), dbSNP rs377690737, ClinGen allele CA8345798.